The following is an entry in ClinVar:

ClinVar aggregate classification (germline): Uncertain significance (1 of 4 stars; one submission).

Conditions:
Duane-radial ray syndrome (DRRS). Also called: Duane-Radial Ray Syndrome (DRRS) / Okihiro Syndrome; ACRORENOOCULAR SYNDROME; DR SYNDROME; DUANE ANOMALY WITH RADIAL RAY ABNORMALITIES AND DEAFNESS; Okihiro Syndrome; Duane-Radial Ray Syndrome/Okihiro Syndrome. Identifiers: Orphanet 93293, Orphanet 959, MedGen C1623209, MONDO:0011812, OMIM 607323. Disease mechanism: gain of function.

Submission:

Labcorp Genetics (formerly Invitae), Labcorp
Classification: Uncertain significance for Duane-radial ray syndrome. Last evaluated: 2025-08-27. Review status: criteria provided, single submitter. Criteria: Invitae Variant Classification Sherloc (09022015). Collection method: clinical testing. Allele origin: germline.
Comment: This sequence change replaces glycine, which is neutral and non-polar, with serine, which is neutral and polar, at codon 44 of the SALL4 protein (p.Gly44Ser). This variant also falls at the last nucleotide of exon 1, which is part of the consensus splice site for this exon. This variant is present in population databases (rs775974321, gnomAD 0.03%). This variant has not been reported in the literature in individuals affected with SALL4-related conditions. An algorithm developed to predict the effect of missense changes on protein structure and function (PolyPhen-2) suggests that this variant is likely to be disruptive. Variants that disrupt the consensus splice site are a relatively common cause of aberrant splicing (PMID: 17576681, 9536098). In summary, the available evidence is currently insufficient to determine the role of this variant in disease. Therefore, it has been classified as a Variant of Uncertain Significance.

Literature cited by the submitters: PubMed 17576681; PubMed 9536098.

NM_020436.5(SALL4):c.130G>A (p.Gly44Ser)

Gene: SALL4 (spalt like transcription factor 4; minus strand). Cytogenetic location: 20q13.2.
Variant type: single nucleotide variant.
Coding change: c.130G>A on transcript NM_020436.5 (MANE Select); coding-DNA position 130, G replaced by A.
Protein change: p.Gly44Ser; replaces glycine 44 with serine.
Molecular consequence: missense variant.
Genome position (GRCh38, 1-based): chr20:51,802,279, C>T on the plus strand (G>A on the coding strand, the complement: SALL4 is on the minus strand). VCF-style: chr20-51802279-C-T. GRCh37 (hg19) VCF-style: chr20-50418818-C-T.
Other names: c.130G>A, p.Gly44Ser (NM_001318031.2); short protein forms G44S.
Identifiers: ClinVar variation 4747787 (VCV004747787.1).